The following is an entry in ClinVar:

ClinVar aggregate classification (germline): Pathogenic (3 of 4 stars; one submission).

Conditions:
Breast-ovarian cancer, familial, susceptibility to, 1 (BROVCA1). Also called: BRCA1 Hereditary Breast and Ovarian Cancer; OVARIAN CANCER, SUSCEPTIBILITY TO. Identifiers: Orphanet 145, MedGen C2676676, MONDO:0011450, OMIM 604370. Disease mechanism: loss of function.

Submission:

Evidence-based Network for the Interpretation of Germline Mutant Alleles (ENIGMA)
Classification: Pathogenic for Breast-ovarian cancer, familial, susceptibility to, 1. Last evaluated: 2017-12-15. Review status: reviewed by expert panel. Criteria: ENIGMA BRCA1/2 Classification Criteria (2017-06-29). Collection method: curation. Allele origin: germline. Study: ENIGMA.
Comment: Variant allele predicted to encode a truncated non-functional protein.

NM_007294.4(BRCA1):c.5201_5202insC (p.Phe1734_Glu1735insTer)

Gene: BRCA1 (BRCA1 DNA repair associated; minus strand). Cytogenetic location: 17q21.31.
Variant type: Insertion.
Coding change: c.5201_5202insC on transcript NM_007294.4 (MANE Select); coding-DNA positions 5201 to 5202, C inserted.
Protein change: p.Phe1734_Glu1735insTer.
Molecular consequence: frameshift variant. On other transcripts: nonsense (365), non-coding transcript variant (1).
Genome position: GRCh38 VCF-style: chr17-43057127-A-AG. GRCh37 (hg19) VCF-style: chr17-41209144-A-AG.
Other names: c.5186_5187insC, p.Glu1730Terfs (NM_001407647.1); c.5144_5145insC, p.Glu1716Terfs (NM_001407648.1); c.5141_5142insC, p.Glu1715Terfs (NM_001407649.1); c.5123_5124insC, p.Glu1709Terfs (NM_001407652.1, NM_001407653.1, NM_001407654.1 and 1 more transcripts); c.5120_5121insC, p.Glu1708Terfs (NM_001407656.1, NM_001407657.1, NM_001407658.1); c.5117_5118insC, p.Glu1707Terfs (NM_001407659.1, NM_001407660.1, NM_001407661.1 and 2 more transcripts); c.5078_5079insC, p.Glu1694Terfs (NM_001407664.1, NM_001407665.1, NM_001407666.1 and 6 more transcripts); c.5075_5076insC, p.Glu1693Terfs (NM_001407670.1, NM_001407671.1, NM_001407672.1 and 10 more transcripts); and 75 more.
Identifiers: ClinVar variation 548284 (VCV000548284.2), dbSNP rs1555576982, ClinGen allele CA658824716.